The following is an entry in ClinVar:

ClinVar aggregate classification (germline): Uncertain significance (1 of 4 stars; one submission).

Conditions:
Pure or complex autosomal recessive spastic paraplegia. Identifiers: Orphanet 320346, MedGen C5679887, MONDO:0017915.

Submission:

Labcorp Genetics (formerly Invitae), Labcorp
Classification: Uncertain significance for Pure or complex autosomal recessive spastic paraplegia. Last evaluated: 2025-12-02. Review status: criteria provided, single submitter. Criteria: Invitae Variant Classification Sherloc (09022015). Collection method: clinical testing. Allele origin: germline.
Comment: This sequence change replaces proline, which is neutral and non-polar, with serine, which is neutral and polar, at codon 1036 of the ZFR protein (p.Pro1036Ser). This variant is not present in population databases (gnomAD no frequency). This variant has not been reported in the literature in individuals affected with ZFR-related conditions. Experimental studies and prediction algorithms are not available or were not evaluated, and the functional significance of this variant is currently unknown. In summary, the available evidence is currently insufficient to determine the role of this variant in disease. Therefore, it has been classified as a Variant of Uncertain Significance.

NM_016107.5(ZFR):c.3106C>T (p.Pro1036Ser)

Gene: ZFR (zinc finger RNA binding protein; minus strand). Cytogenetic location: 5p13.3.
Variant type: single nucleotide variant.
Coding change: c.3106C>T on transcript NM_016107.5 (MANE Select); coding-DNA position 3106, C replaced by T.
Protein change: p.Pro1036Ser; replaces proline 1036 with serine.
Molecular consequence: missense variant. On other transcripts: non-coding transcript variant (1).
Genome position (GRCh38, 1-based): chr5:32,355,879, G>A on the plus strand (C>T on the coding strand, the complement: ZFR is on the minus strand). VCF-style: chr5-32355879-G-A. GRCh37 (hg19) VCF-style: chr5-32355985-G-A.
Other names: short protein forms P1036S.
Identifiers: ClinVar variation 4705009 (VCV004705009.1).